The following is an entry in ClinVar:

NM_000075.4(CDK4):c.555T>A (p.Val185=)

Gene: CDK4 (cyclin dependent kinase 4; minus strand). Cytogenetic location: 12q14.1.
Variant type: single nucleotide variant.
Coding change: c.555T>A on transcript NM_000075.4 (MANE Select); coding-DNA position 555, T replaced by A.
Protein change: p.Val185=; no amino-acid change (valine 185 retained).
Molecular consequence: synonymous variant.
Genome position (GRCh38, 1-based): chr12:57,750,733, A>T on the plus strand (T>A on the coding strand, the complement: CDK4 is on the minus strand). VCF-style: chr12-57750733-A-T. GRCh37 (hg19) VCF-style: chr12-58144516-A-T.
Identifiers: ClinVar variation 3378933 (VCV003378933.1).
Genomic context (GRCh38, chr12:57,750,733, plus strand): 5'-TGCAAAGATACAGCCAACACTCCACATGTCCACAGGTGTTGCATATGTGGACTGCAGAAG[A>T]ACTTCGGGAGCTCGGTACCAGAGTGTAACAACCTAAAGGGAATAGGAAGAATGGATGGGG-3'
Protein context (NP_000066.1, residues 175-195): VVTLWYRAPE[Val185=]LLQSTYATPV

ClinVar aggregate classification (germline): Benign (1 of 4 stars; one submission).

Conditions:
Melanoma, cutaneous malignant, susceptibility to, 3. Also called: Cutaneous malignant melanoma 3. Identifiers: Orphanet 618, MedGen C1836892, MONDO:0012183, OMIM 609048.

Submission:

Myriad Genetics, Inc.
Classification: Benign for Melanoma, cutaneous malignant, susceptibility to, 3. Last evaluated: 2024-09-26. Review status: criteria provided, single submitter. Criteria: Myriad Autosomal Dominant, Autosomal Recessive and X-Linked Classification Criteria (2023). Collection method: clinical testing. Allele origin: unknown.
Comment: This variant is considered benign. This variant is a silent/synonymous amino acid change and it is not expected to impact splicing.